The following is an entry in ClinVar:

ClinVar aggregate classification (germline): Uncertain significance (1 of 4 stars; one submission).

Allele frequency attached by ClinVar (database versions not stated): ExAC 0.00001; gnomAD exomes 0.00001.

Submission:

Labcorp Genetics (formerly Invitae), Labcorp
Classification: Uncertain significance. Last evaluated: 2022-06-08. Review status: criteria provided, single submitter. Criteria: Invitae Variant Classification Sherloc (09022015). Collection method: clinical testing. Allele origin: germline.
Comment: This sequence change replaces arginine, which is basic and polar, with histidine, which is basic and polar, at codon 376 of the GANAB protein (p.Arg376His). This variant is present in population databases (rs745334365, gnomAD 0.003%). This variant has not been reported in the literature in individuals affected with GANAB-related conditions. Algorithms developed to predict the effect of missense changes on protein structure and function output the following: SIFT: "Tolerated"; PolyPhen-2: "Benign"; Align-GVGD: "Class C0". The histidine amino acid residue is found in multiple mammalian species, which suggests that this missense change does not adversely affect protein function. In summary, the available evidence is currently insufficient to determine the role of this variant in disease. Therefore, it has been classified as a Variant of Uncertain Significance.

NM_198334.3(GANAB):c.1061G>A (p.Arg354His)

Gene: GANAB (glucosidase II alpha subunit; minus strand). Cytogenetic location: 11q12.3.
Variant type: single nucleotide variant.
Coding change: c.1061G>A on transcript NM_198334.3 (MANE Select); coding-DNA position 1061, G replaced by A.
Protein change: p.Arg354His; replaces arginine 354 with histidine.
Molecular consequence: missense variant.
Genome position (GRCh38, 1-based): chr11:62,631,119, C>T on the plus strand (G>A on the coding strand, the complement: GANAB is on the minus strand). VCF-style: chr11-62631119-C-T. GRCh37 (hg19) VCF-style: chr11-62398591-C-T.
Other names: c.785G>A, p.Arg262His (NM_001278192.2); c.719G>A, p.Arg240His (NM_001278193.2); c.770G>A, p.Arg257His (NM_001278194.2, NM_001329222.2, NM_001329223.2); c.338G>A, p.Arg113His (NM_001329224.2, NM_001329225.2); c.1127G>A, p.Arg376His (NM_198335.4); short protein forms R240H, R262H, R376H, R354H, R113H, R257H.
Identifiers: ClinVar variation 1898092 (VCV001898092.5), dbSNP rs745334365, ClinGen allele CA6050871.